The following is an entry in ClinVar:

NM_001197104.2(KMT2A):c.9264G>A (p.Met3088Ile)

Gene: KMT2A (lysine methyltransferase 2A; plus strand). Cytogenetic location: 11q23.3.
Variant type: single nucleotide variant.
Coding change: c.9264G>A on transcript NM_001197104.2 (MANE Select); coding-DNA position 9264, G replaced by A.
Protein change: p.Met3088Ile; replaces methionine 3088 with isoleucine.
Molecular consequence: missense variant.
Genome position (GRCh38, 1-based): chr11:118,505,156, G>A. VCF-style: chr11-118505156-G-A. GRCh37 (hg19) VCF-style: chr11-118375871-G-A.
Other names: c.9354G>A, p.Met3118Ile (NM_001412597.1); c.9255G>A, p.Met3085Ile (NM_005933.4); short protein forms M3085I, M3088I, M3118I.
Identifiers: ClinVar variation 3693622 (VCV003693622.2).

ClinVar aggregate classification (germline): Uncertain significance (1 of 4 stars; one submission).

Submission:

Labcorp Genetics (formerly Invitae), Labcorp
Classification: Uncertain significance. Last evaluated: 2025-02-10. Review status: criteria provided, single submitter. Criteria: Invitae Variant Classification Sherloc (09022015). Collection method: clinical testing. Allele origin: germline.
Comment: This sequence change replaces methionine, which is neutral and non-polar, with isoleucine, which is neutral and non-polar, at codon 3088 of the KMT2A protein (p.Met3088Ile). This variant is not present in population databases (gnomAD no frequency). This variant has not been reported in the literature in individuals affected with KMT2A-related conditions. Invitae Evidence Modeling of protein sequence and biophysical properties (such as structural, functional, and spatial information, amino acid conservation, physicochemical variation, residue mobility, and thermodynamic stability) indicates that this missense variant is not expected to disrupt KMT2A protein function with a negative predictive value of 95%. In summary, the available evidence is currently insufficient to determine the role of this variant in disease. Therefore, it has been classified as a Variant of Uncertain Significance.